The following is an entry in ClinVar:

ClinVar aggregate classification (germline): Uncertain significance (1 of 4 stars; one submission).

Allele frequency attached by ClinVar (database versions not stated): gnomAD exomes below 0.00001.
gnomAD v4.1: 2 of 1,614,100 alleles (0.00012%); highest among the groups gnomAD compares: Non-Finnish European, 0.000085%; no homozygotes.

Submission:

Labcorp Genetics (formerly Invitae), Labcorp
Classification: Uncertain significance. Last evaluated: 2020-07-18. Review status: criteria provided, single submitter. Criteria: Invitae Variant Classification Sherloc (09022015). Collection method: clinical testing. Allele origin: germline.
Comment: In summary, the available evidence is currently insufficient to determine the role of this variant in disease. Therefore, it has been classified as a Variant of Uncertain Significance. This sequence change replaces proline with leucine at codon 2421 of the VCAN protein (p.Pro2421Leu). The proline residue is highly conserved and there is a moderate physicochemical difference between proline and leucine. This variant is not present in population databases (ExAC no frequency). This variant has not been reported in the literature in individuals with VCAN-related conditions. Algorithms developed to predict the effect of missense changes on protein structure and function output the following: SIFT: "Deleterious"; PolyPhen-2: "Benign"; Align-GVGD: "Class C25". The leucine amino acid residue is found in multiple mammalian species, suggesting that this missense change does not adversely affect protein function. These predictions have not been confirmed by published functional studies and their clinical significance is uncertain.

NM_004385.5(VCAN):c.7262C>T (p.Pro2421Leu)

Genes: VCAN (versican; plus strand), VCAN-AS1 (VCAN antisense RNA 1; minus strand). Cytogenetic location: 5q14.3.
Variant type: single nucleotide variant.
Coding change: c.7262C>T on transcript NM_004385.5 (MANE Select); coding-DNA position 7262, C replaced by T.
Protein change: p.Pro2421Leu; replaces proline 2421 with leucine.
Molecular consequence: missense variant. On other transcripts: intron variant (2).
Genome position (GRCh38, 1-based): chr5:83,540,265, C>T. VCF-style: chr5-83540265-C-T. GRCh37 (hg19) VCF-style: chr5-82836084-C-T.
Other names: c.4301C>T, p.Pro1434Leu (NM_001164097.2); c.4004-5272C>T (NM_001164098.2); c.1043-5272C>T (NM_001126336.3); short protein forms P1434L, P2421L.
Identifiers: ClinVar variation 1015576 (VCV001015576.9), dbSNP rs1746916012, ClinGen allele CA360314367.
Genomic context (GRCh38, chr5:83,540,265, plus strand): 5'-TTCTGGCTAGAGCTTATGGTTTTGAAATGGCCAAAGAATTTGTTACATCAGCACCAAAAC[C>T]ATCTGACTTGTATTATGAACCTTCTGGAGAAGGATCTGGAGAAGTGGATATTGTTGATTC-3'
Protein context (NP_004376.2, residues 2411-2431): AKEFVTSAPK[Pro2421Leu]SDLYYEPSGE